The following is an entry in ClinVar:

ClinVar aggregate classification (germline): Uncertain significance (1 of 4 stars; one submission).

Conditions:
Hereditary cancer-predisposing syndrome. Also called: Neoplastic Syndromes, Hereditary; Tumor predisposition; Hereditary Cancer Syndrome; Hereditary neoplastic syndrome. Identifiers: Orphanet 140162, MedGen C0027672, MeSH D009386, MONDO:0015356.

Submission:

Ambry Genetics
Classification: Uncertain significance for Hereditary cancer-predisposing syndrome. Last evaluated: 2025-12-21. Review status: criteria provided, single submitter. Criteria: Ambry Variant Classification Scheme 2023. Collection method: clinical testing. Allele origin: germline.
Comment: The p.S95Y variant (also known as c.284C>A), located in coding exon 3 of the APC gene, results from a C to A substitution at nucleotide position 284. The serine at codon 95 is replaced by tyrosine, an amino acid with dissimilar properties. This amino acid position is conserved. In addition, in silico predictors for this gene do not accurately predict pathogenicity. Based on the available evidence, the clinical significance of this variant remains unclear.

NM_000038.6(APC):c.284C>A (p.Ser95Tyr)

Gene: APC (APC regulator of Wnt signaling pathway; plus strand). Cytogenetic location: 5q22.2.
Variant type: single nucleotide variant.
Coding change: c.284C>A on transcript NM_000038.6 (MANE Select); coding-DNA position 284, C replaced by A.
Protein change: p.Ser95Tyr; replaces serine 95 with tyrosine.
Molecular consequence: missense variant. On other transcripts: 5 prime UTR variant (4), non-coding transcript variant (2).
Genome position (GRCh38, 1-based): chr5:112,767,252, C>A. VCF-style: chr5-112767252-C-A. GRCh37 (hg19) VCF-style: chr5-112102949-C-A.
Other names: c.284C>A, p.Ser95Tyr (NM_001407448.1, NM_001407449.1, NM_001407450.1 and 16 more transcripts); c.209C>A, p.Ser70Tyr (NM_001407451.1, NM_001354898.2, NM_001354904.2); c.107C>A, p.Ser36Tyr (NM_001407453.1, NM_001354900.2, NM_001354901.2 and 1 more transcripts); c.-752C>A (NM_001407470.1, NM_001407471.1, NM_001407472.1 and 1 more transcripts); c.314C>A, p.Ser105Tyr (NM_001127511.3, NM_001354897.2, NM_001354902.2 and 1 more transcripts); short protein forms S105Y, S70Y, S95Y, S36Y.
Identifiers: ClinVar variation 4843520 (VCV004843520.1).